The following is an entry in ClinVar:

NM_004618.5(TOP3A):c.488T>C (p.Val163Ala)

Gene: TOP3A (DNA topoisomerase III alpha; minus strand). Cytogenetic location: 17p11.2.
Variant type: single nucleotide variant.
Coding change: c.488T>C on transcript NM_004618.5 (MANE Select); coding-DNA position 488, T replaced by C.
Protein change: p.Val163Ala; replaces valine 163 with alanine.
Molecular consequence: missense variant.
Genome position (GRCh38, 1-based): chr17:18,305,123, A>G on the plus strand (T>C on the coding strand, the complement: TOP3A is on the minus strand). VCF-style: chr17-18305123-A-G. GRCh37 (hg19) VCF-style: chr17-18208437-A-G.
Other names: p.Val163Ala; c.203T>C, p.Val68Ala (NM_001320759.2); short protein forms V163A, V68A.
Identifiers: ClinVar variation 4542137 (VCV004542137.1).

ClinVar aggregate classification (germline): Uncertain significance (1 of 4 stars; one submission).

Submission:

Mayo Clinic Laboratories, Mayo Clinic
Classification: Uncertain significance. Last evaluated: 2025-05-07. Review status: criteria provided, single submitter. Criteria: ACMG Guidelines, 2015. Collection method: clinical testing. Allele origin: germline. Observed: 1 variant allele.
Comment: PM2_supporting